The following is an entry in ClinVar:

ClinVar aggregate classification (germline): Conflicting classifications of pathogenicity. Review status: criteria provided, conflicting classifications (1 of 4 stars). 2 submissions from 2 submitters: Likely pathogenic (1); Uncertain significance (1). Last evaluated 2023-10-09.

Conditions:
Autosomal recessive nonsyndromic hearing loss 1A (DFNB1A). Also called: Nonsyndromic Hearing Loss and Deafness, DFNB1; GJB6-Related DFNB 1 Nonsyndromic Hearing Loss and Deafness; Deafness, autosomal recessive 1A; Connexin 26 deafness; Deafness nonsyndromic, Connexin 26 linked; GJB2-Related Autosomal Recessive Nonsyndromic Hearing Loss. Identifiers: Orphanet 90636, MedGen C2673759, MONDO:0009076, OMIM 220290.

Allele frequency attached by ClinVar (database versions not stated): gnomAD exomes below 0.00001.
gnomAD v4.1: 1 of 1,614,024 alleles (0.000062%); highest among the groups gnomAD compares: Non-Finnish European, 0.000085%; no homozygotes.

Submissions (2):

Labcorp Genetics (formerly Invitae), Labcorp
Classification: Likely pathogenic. Last evaluated: 2023-10-09. Review status: criteria provided, single submitter. Criteria: Invitae Variant Classification Sherloc (09022015). Collection method: clinical testing. Allele origin: germline.
Comment: This sequence change replaces asparagine, which is neutral and polar, with serine, which is neutral and polar, at codon 176 of the GJB2 protein (p.Asn176Ser). This variant is not present in population databases (gnomAD no frequency). This variant has not been reported in the literature in individuals affected with GJB2-related conditions. ClinVar contains an entry for this variant (Variation ID: 438619). Advanced modeling of protein sequence and biophysical properties (such as structural, functional, and spatial information, amino acid conservation, physicochemical variation, residue mobility, and thermodynamic stability) performed at Invitae indicates that this missense variant is expected to disrupt GJB2 protein function. This variant disrupts the p.Asn176 amino acid residue in GJB2. Other variant(s) that disrupt this residue have been determined to be pathogenic (PMID: 30431684, 35396755). This suggests that this residue is clinically significant, and that variants that disrupt this residue are likely to be disease-causing. In summary, the currently available evidence indicates that the variant is pathogenic, but additional data are needed to prove that conclusively. Therefore, this variant has been classified as Likely Pathogenic.

Genomic Diagnostic Laboratory, Division of Genomic Diagnostics, Children's Hospital of Philadelphia
Classification: Uncertain significance for Deafness, autosomal recessive 1A. Last evaluated: 2017-05-09. Review status: criteria provided, single submitter. Criteria: DGD Variant Analysis Guidelines. Collection method: clinical testing. Allele origin: germline. Affected: yes. Observed: 1 variant allele.

Literature cited by the submitters: PubMed 30431684 (cited by Labcorp Genetics (formerly Invitae), Labcorp); PubMed 35396755 (cited by Labcorp Genetics (formerly Invitae), Labcorp).

NM_004004.6(GJB2):c.527A>G (p.Asn176Ser)

Gene: GJB2 (gap junction protein beta 2; minus strand). Cytogenetic location: 13q12.11.
Variant type: single nucleotide variant.
Coding change: c.527A>G on transcript NM_004004.6 (MANE Select); coding-DNA position 527, A replaced by G.
Protein change: p.Asn176Ser; replaces asparagine 176 with serine.
Molecular consequence: missense variant.
Genome position (GRCh38, 1-based): chr13:20,189,055, T>C on the plus strand (A>G on the coding strand, the complement: GJB2 is on the minus strand). VCF-style: chr13-20189055-T-C. GRCh37 (hg19) VCF-style: chr13-20763194-T-C.
Other names: short protein forms N176S.
Identifiers: ClinVar variation 438619 (VCV000438619.4), dbSNP rs1555341840, ClinGen allele CA387460966.